The following is an entry in ClinVar:

NM_152296.5(ATP1A3):c.488G>A (p.Arg163Gln)

Gene: ATP1A3 (ATPase Na+/K+ transporting subunit alpha 3; minus strand). Cytogenetic location: 19q13.2.
Variant type: single nucleotide variant.
Coding change: c.488G>A on transcript NM_152296.5 (MANE Select); coding-DNA position 488, G replaced by A.
Protein change: p.Arg163Gln; replaces arginine 163 with glutamine.
Molecular consequence: missense variant.
Genome position (GRCh38, 1-based): chr19:41,985,982, C>T on the plus strand (G>A on the coding strand, the complement: ATP1A3 is on the minus strand). VCF-style: chr19-41985982-C-T. GRCh37 (hg19) VCF-style: chr19-42490134-C-T.
Other names: c.488G>A (NM_152296.4); c.521G>A, p.Arg174Gln (NM_001256213.2); c.527G>A, p.Arg176Gln (NM_001256214.2); short protein forms R174Q, R176Q, R163Q.
Identifiers: ClinVar variation 2038612 (VCV002038612.5), dbSNP rs2514078905, ClinGen allele CA406054739.

ClinVar aggregate classification (germline): Uncertain significance. Review status: criteria provided, multiple submitters, no conflicts (2 of 4 stars). 2 submissions from 2 submitters: Uncertain significance (2). Last evaluated 2022-09-10.

Conditions:
Dystonia 12 (DYT12). Also called: DYT-ATP1A3; Rapid-Onset Dystonia-Parkinsonism (RDP). Identifiers: Orphanet 71517, MedGen C1868681, MONDO:0007496, OMIM 128235.

Allele frequency attached by ClinVar (database versions not stated): gnomAD exomes below 0.00001.

Submissions (2):

Labcorp Genetics (formerly Invitae), Labcorp
Classification: Uncertain significance for Dystonia 12. Last evaluated: 2022-09-10. Review status: criteria provided, single submitter. Criteria: Invitae Variant Classification Sherloc (09022015). Collection method: clinical testing. Allele origin: germline.
Comment: This variant is not present in population databases (gnomAD no frequency). This sequence change replaces arginine, which is basic and polar, with glutamine, which is neutral and polar, at codon 163 of the ATP1A3 protein (p.Arg163Gln). This variant has not been reported in the literature in individuals affected with ATP1A3-related conditions. In summary, the available evidence is currently insufficient to determine the role of this variant in disease. Therefore, it has been classified as a Variant of Uncertain Significance. Algorithms developed to predict the effect of sequence changes on RNA splicing suggest that this variant may create or strengthen a splice site. Advanced modeling of protein sequence and biophysical properties (such as structural, functional, and spatial information, amino acid conservation, physicochemical variation, residue mobility, and thermodynamic stability) performed at Invitae indicates that this missense variant is expected to disrupt ATP1A3 protein function.

GeneDx
Classification: Uncertain significance. Last evaluated: 2021-07-30. Review status: criteria provided, single submitter. Criteria: GeneDx Variant Classification Process June 2021. Collection method: clinical testing. Allele origin: germline. Affected: yes.
Comment: Not observed at significant frequency in large population cohorts (gnomAD); In silico analysis supports that this missense variant has a deleterious effect on protein structure/function; Has not been previously published as pathogenic or benign to our knowledge